The following is an entry in ClinVar:

NM_002609.4(PDGFRB):c.2552T>C (p.Ile851Thr)

Gene: PDGFRB (platelet derived growth factor receptor beta; minus strand). Cytogenetic location: 5q32.
Variant type: single nucleotide variant.
Coding change: c.2552T>C on transcript NM_002609.4 (MANE Select); coding-DNA position 2552, T replaced by C.
Protein change: p.Ile851Thr; replaces isoleucine 851 with threonine.
Molecular consequence: missense variant.
Genome position (GRCh38, 1-based): chr5:150,120,922, A>G on the plus strand (T>C on the coding strand, the complement: PDGFRB is on the minus strand). VCF-style: chr5-150120922-A-G. GRCh37 (hg19) VCF-style: chr5-149500485-A-G.
Other names: c.2360T>C, p.Ile787Thr (NM_001355016.2); c.2069T>C, p.Ile690Thr (NM_001355017.2); short protein forms I787T, I690T, I851T.
Identifiers: ClinVar variation 4788720 (VCV004788720.1).

ClinVar aggregate classification (germline): Uncertain significance (1 of 4 stars; one submission).

Conditions:
Skeletal overgrowth-craniofacial dysmorphism-hyperelastic skin-white matter lesions syndrome. Also called: SKELETAL OVERGROWTH WITH FACIAL DYSMORPHISM, HYPERELASTIC SKIN, WHITE MATTER LESIONS, AND NEUROLOGIC DETERIORATION; Kosaki overgrowth syndrome. Identifiers: Orphanet 477831, MedGen C4225270, MONDO:0014704, OMIM 616592.
Acroosteolysis-keloid-like lesions-premature aging syndrome. Also called: Premature aging syndrome, Penttinen type; Prematurely aged appearance, delayed bone maturation, acro-osteolysis, and brachydactyly; Progeroid syndrome, Penttinen type. Identifiers: Orphanet 363665, MedGen C1866182, MONDO:0011150, OMIM 601812.
Infantile myofibromatosis (IMF). Also called: Congenital generalized fibromatosis. Identifiers: Orphanet 2591, MedGen C0432284, MONDO:0016824.
Basal ganglia calcification, idiopathic, 4 (PFBC4). Also called: Familial Idiopathic Basal Ganglia Calcification 4; PRIMARY FAMILIAL BRAIN CALCIFICATION 4, AUTOSOMAL DOMINANT. Identifiers: Orphanet 1980, MedGen C3554321, MONDO:0014004, OMIM 615007.

gnomAD v4.1: 13 of 1,613,848 alleles (0.00081%); highest among the groups gnomAD compares: Non-Finnish European, 0.0011%; no homozygotes.

Submission:

Labcorp Genetics (formerly Invitae), Labcorp
Classification: Uncertain significance for Basal ganglia calcification, idiopathic, 4; Skeletal overgrowth-craniofacial dysmorphism-hyperelastic skin-white matter lesions syndrome; Infantile myofibromatosis; Acroosteolysis-keloid-like lesions-premature aging syndrome. Last evaluated: 2025-06-10. Review status: criteria provided, single submitter. Criteria: Invitae Variant Classification Sherloc (09022015). Collection method: clinical testing. Allele origin: germline.
Comment: This sequence change replaces isoleucine, which is neutral and non-polar, with threonine, which is neutral and polar, at codon 851 of the PDGFRB protein (p.Ile851Thr). This variant is not present in population databases (gnomAD no frequency). This variant has not been reported in the literature in individuals affected with PDGFRB-related conditions. Invitae Evidence Modeling of protein sequence and biophysical properties (such as structural, functional, and spatial information, amino acid conservation, physicochemical variation, residue mobility, and thermodynamic stability) indicates that this missense variant is not expected to disrupt PDGFRB protein function with a negative predictive value of 80%. In summary, the available evidence is currently insufficient to determine the role of this variant in disease. Therefore, it has been classified as a Variant of Uncertain Significance.